The following is an entry in ClinVar:

NM_001382391.1(CSPP1):c.3405_3406del (p.Arg1136fs)

Genes: ARFGEF1 (ARF guanine nucleotide exchange factor 1; minus strand), CSPP1 (centrosome and spindle pole associated protein 1; plus strand). Cytogenetic location: 8q13.2.
Variant type: Deletion.
Coding change: c.3405_3406del on transcript NM_001382391.1 (MANE Select); coding-DNA positions 3405 to 3406, 2 bases deleted (TA; older notation c.3405_3406delTA).
Protein change: p.Arg1136fs; shifts the reading frame from arginine 1136.
Molecular consequence: frameshift variant. On other transcripts: intron variant (3).
Genome position (GRCh38, 1-based): chr8:67,193,538-67,193,539, TA deleted. VCF-style (leftmost placement, unchanged base first): chr8-67193537-TTA-T. GRCh37 (hg19) VCF-style: chr8-68105772-TTA-T.
Other names: c.2355_2356del, p.Arg786fs (NM_001291339.2); c.3324_3325del, p.Arg1109fs (NM_001363131.2); c.3210_3211del, p.Arg1071fs (NM_001363132.2); c.3129_3130del, p.Arg1044fs (NM_001363133.2); c.3471_3472del, p.Arg1158fs (NM_001364869.1); c.3291_3292del, p.Arg1098fs (NM_001364870.1); c.3237_3238del, p.Arg1080fs (NM_001438330.1); c.2706_2707del, p.Arg903fs (NM_001438332.1); and 4 more; short protein forms R1136fs, R1098fs, R1131fs, R1071fs, R1109fs, R786fs, R1044fs, R1158fs.
Identifiers: ClinVar variation 1445486 (VCV001445486.6), dbSNP rs2129575958, ClinGen allele CA2573143236.

ClinVar aggregate classification (germline): Pathogenic (1 of 4 stars; one submission).

Conditions:
Joubert syndrome 21 (JBTS21). Identifiers: MedGen C3810212, MONDO:0014288, OMIM 615636.

Allele frequency attached by ClinVar (database versions not stated): gnomAD exomes below 0.00001.

Submission:

Labcorp Genetics (formerly Invitae), Labcorp
Classification: Pathogenic for Joubert syndrome 21. Last evaluated: 2021-11-19. Review status: criteria provided, single submitter. Criteria: Invitae Variant Classification Sherloc (09022015). Collection method: clinical testing. Allele origin: germline.
Comment: For these reasons, this variant has been classified as Pathogenic. This variant has not been reported in the literature in individuals affected with CSPP1-related conditions. This variant is not present in population databases (gnomAD no frequency). This sequence change creates a premature translational stop signal (p.Arg1131Serfs*4) in the CSPP1 gene. It is expected to result in an absent or disrupted protein product. Loss-of-function variants in CSPP1 are known to be pathogenic (PMID: 24360807, 24360808).

Literature cited by the submitters: PubMed 24360807; PubMed 24360808.